The following is an entry in ClinVar:

ClinVar aggregate classification (germline): Uncertain significance. Review status: criteria provided, multiple submitters, no conflicts (2 of 4 stars). 2 submissions from 2 submitters: Uncertain significance (2). Last evaluated 2024-12-19.

Conditions:
Inflammatory bowel disease 30. Also called: INFLAMMATORY BOWEL DISEASE (CROHN DISEASE) 30. Identifiers: MONDO:0033643, OMIM 619079, MedGen C5436750.

Allele frequency attached by ClinVar (database versions not stated): gnomAD exomes below 0.00001.
gnomAD v4.1: 3 of 1,592,254 alleles (0.00019%); highest among the groups gnomAD compares: Non-Finnish European, 0.00017%; no homozygotes.

Submissions (2):

Genomic Medicine Center of Excellence, King Faisal Specialist Hospital and Research Centre
Classification: Uncertain significance for Inflammatory bowel disease 30. Last evaluated: 2024-12-19. Review status: criteria provided, single submitter. Criteria: ACMG Guidelines, 2015. Collection method: clinical testing. Allele origin: germline.

Labcorp Genetics (formerly Invitae), Labcorp
Classification: Uncertain significance. Last evaluated: 2021-05-16. Review status: criteria provided, single submitter. Criteria: Invitae Variant Classification Sherloc (09022015). Collection method: clinical testing. Allele origin: germline.
Comment: This variant has not been reported in the literature in individuals with CARD8-related conditions. This variant is not present in population databases (ExAC no frequency). This sequence change replaces serine with asparagine at codon 131 of the CARD8 protein (p.Ser131Asn). The serine residue is highly conserved and there is a small physicochemical difference between serine and asparagine. In summary, the available evidence is currently insufficient to determine the role of this variant in disease. Therefore, it has been classified as a Variant of Uncertain Significance. Algorithms developed to predict the effect of sequence changes on RNA splicing suggest that this variant may disrupt the consensus splice site, but this prediction has not been confirmed by published transcriptional studies. Algorithms developed to predict the effect of missense changes on protein structure and function are either unavailable or do not agree on the potential impact of this missense change (SIFT: "Tolerated"; PolyPhen-2: "Possibly Damaging"; Align-GVGD: "Class C0").

NM_001184900.3(CARD8):c.542G>A (p.Ser181Asn)

Gene: CARD8 (caspase recruitment domain family member 8; minus strand). Cytogenetic location: 19q13.33.
Variant type: single nucleotide variant.
Coding change: c.542G>A on transcript NM_001184900.3 (MANE Select); coding-DNA position 542, G replaced by A.
Protein change: p.Ser181Asn; replaces serine 181 with asparagine.
Molecular consequence: missense variant. On other transcripts: non-coding transcript variant (4).
Genome position (GRCh38, 1-based): chr19:48,231,660, C>T on the plus strand (G>A on the coding strand, the complement: CARD8 is on the minus strand). VCF-style: chr19-48231660-C-T. GRCh37 (hg19) VCF-style: chr19-48734917-C-T.
Other names: c.392G>A, p.Ser131Asn (NM_001184901.1, NM_001351783.2, NM_001351788.2 and 2 more transcripts); c.542G>A, p.Ser181Asn (NM_001184902.2, NM_001184903.1, NM_001351782.2); c.227G>A, p.Ser76Asn (NM_001351784.2, NM_001351787.2, NM_001351791.2 and 2 more transcripts); c.206G>A, p.Ser69Asn (NM_001351786.2); c.299G>A, p.Ser100Asn (NM_001351790.2); short protein forms S100N, S181N, S131N, S69N, S76N.
Identifiers: ClinVar variation 1416149 (VCV001416149.9), dbSNP rs2146245109, ClinGen allele CA406644724.